The following is an entry in ClinVar:

NM_017934.7(PHIP):c.510T>C (p.Tyr170=)

Gene: PHIP (PHIP subunit of CUL4-Ring ligase complex; minus strand). Cytogenetic location: 6q14.1.
Variant type: single nucleotide variant.
Coding change: c.510T>C on transcript NM_017934.7 (MANE Select); coding-DNA position 510, T replaced by C.
Protein change: p.Tyr170=; no amino-acid change (tyrosine 170 retained).
Molecular consequence: synonymous variant.
Genome position (GRCh38, 1-based): chr6:79,042,933, A>G on the plus strand (T>C on the coding strand, the complement: PHIP is on the minus strand). VCF-style: chr6-79042933-A-G. GRCh37 (hg19) VCF-style: chr6-79752650-A-G.
Other names: c.510T>C (NM_017934.6).
Identifiers: ClinVar variation 2186316 (VCV002186316.19), dbSNP rs547487715, ClinGen allele CA141874706.
Genomic context (GRCh38, chr6:79,042,933, plus strand): 5'-AGTTACACAGTACACAGATGACAAGTGTCCAAGAATTCGTTTATGCATTTTCATGTGCTG[A>G]TACACTGCAGTTGGAACAAGTCGCTCAAGTCTGTATTTCCCATTCAGCTTCCTTGAAAAC-3'
Protein context (NP_060404.4, residues 160-180): RLERLVPTAV[Tyr170=]QHMKMHKRIL

ClinVar aggregate classification (germline): Likely benign. Review status: criteria provided, multiple submitters, no conflicts (2 of 4 stars). 3 submissions from 3 submitters: Likely benign (2). 1 of the submissions does not count toward it. Last evaluated 2025-12-14.

Conditions:
PHIP-related disorder. Also called: PHIP-related condition; PHIP-related disorders.

Allele frequency attached by ClinVar (database versions not stated): TOPMed below 0.00001; gnomAD exomes 0.00001.
gnomAD v4.1: 21 of 1,612,352 alleles (0.0013%); highest among the groups gnomAD compares: African/African-American, 0.013%; no homozygotes.

Submissions (3):

Labcorp Genetics (formerly Invitae), Labcorp
Classification: Likely benign. Last evaluated: 2025-12-14. Review status: criteria provided, single submitter. Criteria: Invitae Variant Classification Sherloc (09022015). Collection method: clinical testing. Allele origin: germline.

CeGaT Center for Human Genetics Tuebingen
Classification: Likely benign. Last evaluated: 2025-02-01. Review status: criteria provided, single submitter. Criteria: CeGaT Center For Human Genetics Tuebingen Variant Classification Criteria Version 2. Collection method: clinical testing. Allele origin: germline. Affected: yes. Observed: 1 variant allele.
Comment: PHIP: BP4

PreventionGenetics, part of Exact Sciences
Classification: Likely benign for PHIP-related condition. Last evaluated: 2024-07-17. Review status: no assertion criteria provided. Collection method: clinical testing. Allele origin: germline. Not counted in ClinVar's aggregate classification.
Comment: This variant is classified as likely benign based on ACMG/AMP sequence variant interpretation guidelines (Richards et al. 2015 PMID: 25741868, with internal and published modifications).